The following is an entry in ClinVar:

ClinVar aggregate classification (germline): Likely benign. Review status: criteria provided, multiple submitters, no conflicts (2 of 4 stars). 5 submissions from 5 submitters: Likely benign (5). Last evaluated 2025-01-04.

Conditions:
Familial thoracic aortic aneurysm and aortic dissection (TAAD). Also called: Thoracic aortic aneurysms and dissections. Identifiers: Orphanet 91387, MedGen C4707243, MONDO:0019625.
Marfan syndrome (MFS). Also called: Marfan syndrome, classic; Marfan syndrome type 1; Marfan's syndrome; MARFAN SYNDROME, TYPE I; FBN1-Related Marfan Syndrome. Identifiers: Orphanet 284963, Orphanet 558, MedGen C0024796, MONDO:0007947, OMIM 154700.

Allele frequency attached by ClinVar (database versions not stated): gnomAD 0.00002 and 0.00003; TOPMed 0.00002; gnomAD exomes 0.00001.
gnomAD v4.1: 20 of 1,614,012 alleles (0.0012%); highest among the groups gnomAD compares: African/African-American, 0.0027%; no homozygotes.

Submissions (5):

Ambry Genetics
Classification: Likely benign for Familial thoracic aortic aneurysm and aortic dissection. Last evaluated: 2025-01-04. Review status: criteria provided, single submitter. Criteria: Ambry Variant Classification Scheme 2023. Collection method: clinical testing. Allele origin: germline.

Labcorp Genetics (formerly Invitae), Labcorp
Classification: Likely benign for Marfan syndrome; Familial thoracic aortic aneurysm and aortic dissection. Last evaluated: 2024-03-16. Review status: criteria provided, single submitter. Criteria: Invitae Variant Classification Sherloc (09022015). Collection method: clinical testing. Allele origin: germline.

All of Us Research Program, National Institutes of Health
Classification: Likely benign for Marfan syndrome. Last evaluated: 2023-11-30. Review status: criteria provided, single submitter. Criteria: ACMG Guidelines, 2015. Collection method: clinical testing. Allele origin: germline. Inheritance: Autosomal dominant inheritance. Observed: 4 variant alleles, 4 heterozygotes.
Comment: This study involves interpretation of variants in research participants for the purpose of population health screening. Participant phenotype was not available at the time of variant classification. Additional details can be found in publication PMID: 35346344, PMCID: PMC8962531

GeneDx
Classification: Likely benign. Last evaluated: 2021-02-19. Review status: criteria provided, single submitter. Criteria: GeneDx Variant Classification Process June 2021. Collection method: clinical testing. Allele origin: germline. Affected: yes.

Color Diagnostics, LLC DBA Color Health
Classification: Likely benign for Familial thoracic aortic aneurysm and aortic dissection. Last evaluated: 2019-11-07. Review status: criteria provided, single submitter. Criteria: ACMG Guidelines, 2015. Collection method: clinical testing. Allele origin: germline.

NM_000138.5(FBN1):c.5466C>T (p.Ala1822=)

Gene: FBN1 (fibrillin 1; minus strand). Cytogenetic location: 15q21.1.
Variant type: single nucleotide variant.
Coding change: c.5466C>T on transcript NM_000138.5 (MANE Select); coding-DNA position 5466, C replaced by T.
Protein change: p.Ala1822=; no amino-acid change (alanine 1822 retained).
Molecular consequence: synonymous variant.
Genome position (GRCh38, 1-based): chr15:48,452,641, G>A on the plus strand (C>T on the coding strand, the complement: FBN1 is on the minus strand). VCF-style: chr15-48452641-G-A. GRCh37 (hg19) VCF-style: chr15-48744838-G-A.
Identifiers: ClinVar variation 380118 (VCV000380118.16), dbSNP rs947248042, ClinGen allele CA16606701.
Genomic context (GRCh38, chr15:48,452,641, plus strand): 5'-GGTGAAGCGGTAGCCGGGCTTACAGTCACAGCGGTAGCTGCCTGCAGTGTTGATGCATTC[G>A]GCGTTGCGCTGGCACACTGGGCCGTTCTGACACTCGTCAATATCTACGAGCAGAAGAGAA-3'
Protein context (NP_000129.3, residues 1812-1832): CQNGPVCQRN[Ala1822=]ECINTAGSYR